The following is an entry in ClinVar:

NC_000023.11:g.101841670A>C

Gene: NXF5 (nuclear RNA export factor 5; minus strand). Cytogenetic location: Xq22.1.
Variant type: single nucleotide variant.
Genome position: GRCh38 VCF-style: chrX-101841670-A-C. GRCh37 (hg19) VCF-style: chrX-101096642-A-C.
Other names: NM_032946.2:c.240+4T>G.
Identifiers: ClinVar variation 2714827 (VCV002714827.4), dbSNP rs746681980, ClinGen allele CA10474699.
Genomic context (GRCh38, chrX:101,841,670, plus strand): 5'-GACCAGTCCCCTGGCCTGTCCTCCTGCCCAAAGACTAAGTACAGGGAATGCCCTCAGCAC[A>C]CACCTTTTGGTTCTCATCATCATAAATCTTATAACTGACATCCTTCAATGCAGAGGCAGC-3'

ClinVar aggregate classification (germline): Uncertain significance. Review status: criteria provided, single submitter (1 of 4 stars). 2 submissions from 2 submitters: Uncertain significance (1). 1 of the submissions does not count toward it. Last evaluated 2024-05-06.

Conditions:
NXF5-related disorder. Also called: NXF5-related condition.

Allele frequency attached by ClinVar (database versions not stated): gnomAD 0.00003; gnomAD exomes 0.00004; TOPMed 0.00005; ExAC 0.00010.

Submissions (2):

Labcorp Genetics (formerly Invitae), Labcorp
Classification: Uncertain significance. Last evaluated: 2024-05-06. Review status: criteria provided, single submitter. Criteria: Invitae Variant Classification Sherloc (09022015). Collection method: clinical testing. Allele origin: germline.
Comment: This sequence change falls in intron 5 of the NXF5 gene. It does not directly change the encoded amino acid sequence of the NXF5 protein. It affects a nucleotide within the consensus splice site. This variant is present in population databases (rs746681980, gnomAD 0.05%), and has an allele count higher than expected for a pathogenic variant. This variant has not been reported in the literature in individuals affected with NXF5-related conditions. Variants that disrupt the consensus splice site are a relatively common cause of aberrant splicing (PMID: 17576681, 9536098). Algorithms developed to predict the effect of sequence changes on RNA splicing suggest that this variant is not likely to affect RNA splicing. In summary, the available evidence is currently insufficient to determine the role of this variant in disease. Therefore, it has been classified as a Variant of Uncertain Significance.

PreventionGenetics, part of Exact Sciences
Classification: Likely benign for NXF5-related condition. Last evaluated: 2020-11-27. Review status: no assertion criteria provided. Collection method: clinical testing. Allele origin: germline. Not counted in ClinVar's aggregate classification.
Comment: This variant is classified as likely benign based on ACMG/AMP sequence variant interpretation guidelines (Richards et al. 2015 PMID: 25741868, with internal and published modifications).

Literature cited by the submitters: PubMed 17576681 (cited by Labcorp Genetics (formerly Invitae), Labcorp); PubMed 9536098 (cited by Labcorp Genetics (formerly Invitae), Labcorp).